The following is an entry in ClinVar:

ClinVar aggregate classification (germline): Likely benign (1 of 4 stars; one submission).

Submission:

CeGaT Center for Human Genetics Tuebingen
Classification: Likely benign. Last evaluated: 2026-01-01. Review status: criteria provided, single submitter. Criteria: CeGaT Center For Human Genetics Tuebingen Variant Classification Criteria Version 2. Collection method: clinical testing. Allele origin: germline. Affected: yes. Observed: 1 variant allele.
Comment: HNRNPC: PM4:Supporting, BS2

NM_004500.4(HNRNPC):c.391CCT[6] (p.Pro135_Ile136insPro)

Gene: HNRNPC (heterogeneous nuclear ribonucleoprotein C; minus strand). Cytogenetic location: 14q11.2.
Variant type: Microsatellite.
Coding change: c.391CCT[6] on transcript NM_004500.4 (MANE Select); six copies in a row of the 3-base unit CCT starting at c.391; the reference has five copies in a row; one copy, 3 bases duplicated.
Protein change: p.Pro135_Ile136insPro.
Molecular consequence: inframe insertion.
Genome position (GRCh38, 1-based): chr14:21,213,078-21,213,080, AGG duplicated on the plus strand (CCT on the coding strand, the reverse complement: HNRNPC is on the minus strand); duplicating any 3 consecutive bases within chr14:21,213,078-21,213,092 gives the same sequence; the position shown is the placement nearest the transcript's 3' end. VCF-style (leftmost placement, unchanged base first): chr14-21213077-T-TAGG. GRCh37 (hg19) VCF-style: chr14-21681236-T-TAGG.
Other names: c.430CCT[6], p.Pro148_Ile149insPro (NM_001077442.2, NM_031314.3); c.391CCT[6], p.Pro135_Ile136insPro (NM_001077443.2).
Identifiers: ClinVar variation 4821166 (VCV004821166.4).
Genomic context (GRCh38, chr14:21,213,077, plus strand): 5'-CCCTTCGTGAAGTGTTTCCTGATACACGCTGACGTTTCGAGGGCACTACAGCCCGAGCAA[T>TAGG]AGGAGGAGGAGGAGGTACACGTGCTGGGTAACTGTACATCCTATTGGATAAGAGGAAAAT-3'